The following is an entry in ClinVar:

ClinVar aggregate classification (germline): Uncertain significance (1 of 4 stars; one submission).

Conditions:
Hereditary cancer-predisposing syndrome. Also called: Tumor predisposition; Hereditary neoplastic syndrome; Hereditary Cancer Syndrome; Neoplastic Syndromes, Hereditary. Identifiers: Orphanet 140162, MedGen C0027672, MeSH D009386, MONDO:0015356.

Submission:

Ambry Genetics
Classification: Uncertain significance for Hereditary cancer-predisposing syndrome. Last evaluated: 2025-05-01. Review status: criteria provided, single submitter. Criteria: Ambry Variant Classification Scheme 2023. Collection method: clinical testing. Allele origin: germline.
Comment: The p.V146A variant (also known as c.437T>C), located in coding exon 6 of the POLE gene, results from a T to C substitution at nucleotide position 437. The valine at codon 146 is replaced by alanine, an amino acid with similar properties. This amino acid position is conserved. In addition, the in silico prediction for this alteration is inconclusive. Based on the available evidence, the clinical significance of this variant remains unclear.

NM_006231.4(POLE):c.437T>C (p.Val146Ala)

Gene: POLE (DNA polymerase epsilon, catalytic subunit; minus strand). Cytogenetic location: 12q24.33.
Variant type: single nucleotide variant.
Coding change: c.437T>C on transcript NM_006231.4 (MANE Select); coding-DNA position 437, T replaced by C.
Protein change: p.Val146Ala; replaces valine 146 with alanine.
Molecular consequence: missense variant.
Genome position (GRCh38, 1-based): chr12:132,679,638, A>G on the plus strand (T>C on the coding strand, the complement: POLE is on the minus strand). VCF-style: chr12-132679638-A-G. GRCh37 (hg19) VCF-style: chr12-133256224-A-G.
Other names: short protein forms V146A.
Identifiers: ClinVar variation 3935751 (VCV003935751.1).
Genomic context (GRCh38, chr12:132,679,638, plus strand): 5'-ACTTTGACAAGATCCTCCACAGTGTGGAAGGACAGCCTGATGTAATTTCGCTTCAAACCC[A>G]CCAAGTGATTTGGCTATAATGCGAAGAGATCACGCTCATTGGTTCAAGAGAAATAGGACT-3'
Protein context (NP_006222.2, residues 136-156): KEDLDLPNHL[Val146Ala]GLKRNYIRLS